The following is an entry in ClinVar:

NM_005431.2(XRCC2):c.102T>C (p.Asp34=)

Gene: XRCC2 (X-ray repair cross complementing 2; minus strand). Cytogenetic location: 7q36.1.
Variant type: single nucleotide variant.
Coding change: c.102T>C on transcript NM_005431.2 (MANE Select); coding-DNA position 102, T replaced by C.
Protein change: p.Asp34=; no amino-acid change (aspartic acid 34 retained).
Molecular consequence: synonymous variant.
Genome position (GRCh38, 1-based): chr7:152,660,720, A>G on the plus strand (T>C on the coding strand, the complement: XRCC2 is on the minus strand). VCF-style: chr7-152660720-A-G. GRCh37 (hg19) VCF-style: chr7-152357805-A-G.
Other names: c.102T>C (NM_005431.1).
Identifiers: ClinVar variation 1563016 (VCV001563016.10), dbSNP rs1454417236, ClinGen allele CA458803822.
Genomic context (GRCh38, chr7:152,660,720, plus strand): 5'-TAAAGATTTGCATTTATTTATATAAAGGTTGTATTTTTTACCATGCACAGGTGAATCTTC[A>G]TCAGCAAACAGATTTGGTTCTATTTCTTTCAAGGAACTTCTACCTTCAAGTCGGGCAAGG-3'
Protein context (NP_005422.1, residues 24-44): LKEIEPNLFA[Asp34=]EDSPVHGDIL

ClinVar aggregate classification (germline): Conflicting classifications of pathogenicity. Review status: criteria provided, conflicting classifications (1 of 4 stars). 3 submissions from 3 submitters: Uncertain significance (1); Likely benign (2). Last evaluated 2025-08-21.

Conditions:
Hereditary cancer-predisposing syndrome. Also called: Tumor predisposition; Hereditary Cancer Syndrome; Hereditary neoplastic syndrome; Neoplastic Syndromes, Hereditary. Identifiers: Orphanet 140162, MedGen C0027672, MeSH D009386, MONDO:0015356.

Allele frequency attached by ClinVar (database versions not stated): gnomAD exomes below 0.00001 and 0.00001; gnomAD 0.00001; TOPMed 0.00001.
gnomAD v4.1: 10 of 1,613,326 alleles (0.00062%); highest among the groups gnomAD compares: African/African-American, 0.008%; no homozygotes.

Submissions (3):

Labcorp Genetics (formerly Invitae), Labcorp
Classification: Likely benign. Last evaluated: 2025-08-21. Review status: criteria provided, single submitter. Criteria: Invitae Variant Classification Sherloc (09022015). Collection method: clinical testing. Allele origin: germline.

Quest Diagnostics Nichols Institute San Juan Capistrano
Classification: Uncertain significance. Last evaluated: 2024-07-10. Review status: criteria provided, single submitter. Criteria: Quest Diagnostics criteria. Collection method: clinical testing. Allele origin: unknown.
Comment: The XRCC2 c.102T>C (p.Asp34=) synonymous variant has not been reported in individuals with XRCC2-related conditions in the published literature. The frequency of this variant in the general population, 0.000004 (1/250628 chromosomes (Genome Aggregation Database)), is uninformative in the assessment of its pathogenicity. Analysis of this variant using software algorithms for the prediction of the effect of nucleotide changes on splicing yielded predictions that this variant does not affect XRCC2 mRNA splicing. Based on the available information, we are unable to determine the clinical significance of this variant.

Ambry Genetics
Classification: Likely benign for Hereditary cancer-predisposing syndrome. Last evaluated: 2023-09-29. Review status: criteria provided, single submitter. Criteria: Ambry Variant Classification Scheme 2023. Collection method: clinical testing. Allele origin: germline.